The following is an entry in ClinVar:

NM_005251.3(FOXC2):c.1023G>T (p.Gly341=)

Gene: FOXC2 (forkhead box C2; plus strand). Cytogenetic location: 16q24.1.
Variant type: single nucleotide variant.
Coding change: c.1023G>T on transcript NM_005251.3 (MANE Select); coding-DNA position 1023, G replaced by T.
Protein change: p.Gly341=; no amino-acid change (glycine 341 retained).
Molecular consequence: synonymous variant.
Genome position (GRCh38, 1-based): chr16:86,568,358, G>T. VCF-style: chr16-86568358-G-T. GRCh37 (hg19) VCF-style: chr16-86601964-G-T.
Identifiers: ClinVar variation 4744982 (VCV004744982.1).

ClinVar aggregate classification (germline): Uncertain significance (1 of 4 stars; one submission).

Submission:

Labcorp Genetics (formerly Invitae), Labcorp
Classification: Uncertain significance. Last evaluated: 2025-12-22. Review status: criteria provided, single submitter. Criteria: Invitae Variant Classification Sherloc (09022015). Collection method: clinical testing. Allele origin: germline.
Comment: This sequence change affects codon 341 of the FOXC2 mRNA. It is a 'silent' change, meaning that it does not change the encoded amino acid sequence of the FOXC2 protein. This variant is not present in population databases (gnomAD no frequency). This variant has not been reported in the literature in individuals affected with FOXC2-related conditions. In summary, the available evidence is currently insufficient to determine the role of this variant in disease. Therefore, it has been classified as a Variant of Uncertain Significance.